The following is an entry in ClinVar:

ClinVar aggregate classification (germline): Uncertain significance (1 of 4 stars; one submission).

Allele frequency attached by ClinVar (database versions not stated): gnomAD exomes below 0.00001 and 0.00001; TOPMed 0.00001; ExAC 0.00006.
gnomAD v4.1: 3 of 1,537,192 alleles (0.0002%); highest among the groups gnomAD compares: Non-Finnish European, 0.00017%; no homozygotes.

Submission:

Labcorp Genetics (formerly Invitae), Labcorp
Classification: Uncertain significance. Last evaluated: 2024-10-17. Review status: criteria provided, single submitter. Criteria: Invitae Variant Classification Sherloc (09022015). Collection method: clinical testing. Allele origin: germline.
Comment: This sequence change replaces methionine, which is neutral and non-polar, with isoleucine, which is neutral and non-polar, at codon 1967 of the PIEZO2 protein (p.Met1967Ile). This variant is present in population databases (rs747677367, gnomAD no frequency). This variant has not been reported in the literature in individuals affected with PIEZO2-related conditions. ClinVar contains an entry for this variant (Variation ID: 1515691). Invitae Evidence Modeling of protein sequence and biophysical properties (such as structural, functional, and spatial information, amino acid conservation, physicochemical variation, residue mobility, and thermodynamic stability) indicates that this missense variant is not expected to disrupt PIEZO2 protein function with a negative predictive value of 80%. In summary, the available evidence is currently insufficient to determine the role of this variant in disease. Therefore, it has been classified as a Variant of Uncertain Significance.

NM_001378183.1(PIEZO2):c.6240G>A (p.Met2080Ile)

Gene: PIEZO2 (piezo type mechanosensitive ion channel component 2; minus strand). Cytogenetic location: 18p11.22.
Variant type: single nucleotide variant.
Coding change: c.6240G>A on transcript NM_001378183.1 (MANE Select); coding-DNA position 6240, G replaced by A.
Protein change: p.Met2080Ile; replaces methionine 2080 with isoleucine.
Molecular consequence: missense variant.
Genome position (GRCh38, 1-based): chr18:10,704,412, C>T on the plus strand (G>A on the coding strand, the complement: PIEZO2 is on the minus strand). VCF-style: chr18-10704412-C-T. GRCh37 (hg19) VCF-style: chr18-10704410-C-T.
Other names: c.5901G>A, p.Met1967Ile (NM_022068.4); short protein forms M2080I, M1967I.
Identifiers: ClinVar variation 1515691 (VCV001515691.8), dbSNP rs747677367, ClinGen allele CA8892260.